The following is an entry in ClinVar:

ClinVar aggregate classification (germline): Uncertain significance. Review status: criteria provided, multiple submitters, no conflicts (2 of 4 stars). 2 submissions from 2 submitters: Uncertain significance (2). Last evaluated 2025-02-20.

Conditions:
Baller-Gerold syndrome (BGS). Also called: CRANIOSYNOSTOSIS WITH RADIAL DEFECTS. Identifiers: Orphanet 1225, MedGen C0265308, MONDO:0009039, OMIM 218600.
Inborn genetic diseases. Identifiers: MedGen C0950123, MeSH D030342.

Allele frequency attached by ClinVar (database versions not stated): gnomAD exomes below 0.00001.
gnomAD v4.1: 2 of 1,597,958 alleles (0.00013%); highest among the groups gnomAD compares: South Asian, 0.0022%; no homozygotes.

Submissions (2):

Ambry Genetics
Classification: Uncertain significance for Inborn genetic diseases. Last evaluated: 2025-02-20. Review status: criteria provided, single submitter. Criteria: Ambry Variant Classification Scheme 2023. Collection method: clinical testing. Allele origin: germline.
Comment: The p.A801T variant (also known as c.2401G>A), located in coding exon 14 of the RECQL4 gene, results from a G to A substitution at nucleotide position 2401. The alanine at codon 801 is replaced by threonine, an amino acid with similar properties. This amino acid position is conserved. Based on the available evidence, the clinical significance of this variant remains unclear.

Labcorp Genetics (formerly Invitae), Labcorp
Classification: Uncertain significance for Baller-Gerold syndrome. Last evaluated: 2024-12-30. Review status: criteria provided, single submitter. Criteria: Invitae Variant Classification Sherloc (09022015). Collection method: clinical testing. Allele origin: germline.
Comment: This sequence change replaces alanine, which is neutral and non-polar, with threonine, which is neutral and polar, at codon 801 of the RECQL4 protein (p.Ala801Thr). This variant is not present in population databases (gnomAD no frequency). This variant has not been reported in the literature in individuals affected with RECQL4-related conditions. ClinVar contains an entry for this variant (Variation ID: 861690). Invitae Evidence Modeling of protein sequence and biophysical properties (such as structural, functional, and spatial information, amino acid conservation, physicochemical variation, residue mobility, and thermodynamic stability) indicates that this missense variant is expected to disrupt RECQL4 protein function with a positive predictive value of 80%. In summary, the available evidence is currently insufficient to determine the role of this variant in disease. Therefore, it has been classified as a Variant of Uncertain Significance.

NM_004260.4(RECQL4):c.2401G>A (p.Ala801Thr)

Gene: RECQL4 (RecQ like helicase 4; minus strand). Cytogenetic location: 8q24.3.
Variant type: single nucleotide variant.
Coding change: c.2401G>A on transcript NM_004260.4 (MANE Select); coding-DNA position 2401, G replaced by A.
Protein change: p.Ala801Thr; replaces alanine 801 with threonine.
Molecular consequence: missense variant.
Genome position (GRCh38, 1-based): chr8:144,513,280, C>T on the plus strand (G>A on the coding strand, the complement: RECQL4 is on the minus strand). VCF-style: chr8-144513280-C-T. GRCh37 (hg19) VCF-style: chr8-145738663-C-T.
Other names: short protein forms A801T.
Identifiers: ClinVar variation 861690 (VCV000861690.7), dbSNP rs994146252, ClinGen allele CA372678198.
Genomic context (GRCh38, chr8:144,513,280, plus strand): 5'-GGGGCTGCAGGAAGAGGTGGCAGTGGGCAGGCTGCCCGTCACGCCCGGCCCGGCCCACGG[C>T]CTGCACGTAGCTCTCGAAGCTTGGGGGCAGCCCCAGATGCAGCACAGCCCGCACATCTGG-3'
Protein context (NP_004251.4, residues 791-811): LPPSFESYVQ[Ala801Thr]VGRAGRDGQP